The following is an entry in ClinVar:

NM_003072.5(SMARCA4):c.3949A>G (p.Met1317Val)

Gene: SMARCA4 (SWI/SNF related BAF chromatin remodeling complex subunit ATPase 4; plus strand). Cytogenetic location: 19p13.2.
Variant type: single nucleotide variant.
Coding change: c.3949A>G on transcript NM_003072.5 (MANE Select); coding-DNA position 3949, A replaced by G.
Protein change: p.Met1317Val; replaces methionine 1317 with valine.
Molecular consequence: missense variant. On other transcripts: non-coding transcript variant (1).
Genome position (GRCh38, 1-based): chr19:11,034,198, A>G. VCF-style: chr19-11034198-A-G. GRCh37 (hg19) VCF-style: chr19-11144874-A-G.
Other names: c.3949A>G, p.Met1317Val (NM_001128844.3, NM_001128849.3, NM_001387283.1); c.3850A>G, p.Met1284Val (NM_001128845.2, NM_001128846.2, NM_001128847.4 and 3 more transcripts); short protein forms M1284V, M1317V.
Identifiers: ClinVar variation 1736400 (VCV001736400.2), dbSNP rs2146679808, ClinGen allele CA404067959.
Genomic context (GRCh38, chr19:11,034,198, plus strand): 5'-CCCGACGACGAGACCGTCAACCAGATGATCGCCCGGCACGAGGAGGAGTTTGATCTGTTC[A>G]TGGTAAGCGCTGCAGGCTGGATGGGGCAGTTCAGGCATCCCACTCTGCTGCCACCAGGAG-3'
Protein context (NP_003063.2, residues 1307-1327): ARHEEEFDLF[Met1317Val]RMDLDRRREE

ClinVar aggregate classification (germline): Uncertain significance (1 of 4 stars; one submission).

Conditions:
Hereditary cancer-predisposing syndrome. Also called: Neoplastic Syndromes, Hereditary; Tumor predisposition; Hereditary Cancer Syndrome; Hereditary neoplastic syndrome. Identifiers: Orphanet 140162, MedGen C0027672, MeSH D009386, MONDO:0015356.

Submission:

Ambry Genetics
Classification: Uncertain significance for Hereditary cancer-predisposing syndrome. Last evaluated: 2022-09-09. Review status: criteria provided, single submitter. Criteria: Ambry Variant Classification Scheme 2023. Collection method: clinical testing. Allele origin: germline.
Comment: The p.M1317V variant (also known as c.3949A>G), located in coding exon 27 of the SMARCA4 gene, results from an A to G substitution at nucleotide position 3949. The methionine at codon 1317 is replaced by valine, an amino acid with highly similar properties. This amino acid position is highly conserved in available vertebrate species. In addition, the in silico prediction for this alteration is inconclusive. Missense and in-frame variants in SMARCA4 are known to cause neurodevelopmental disorders; however, such associations with rhabdoid tumor predisposition syndrome including small cell carcinoma of the ovary-hypercalcemic type (SCCOHT) are exceedingly rare (Kosho T et al. Am J Med Genet C Semin Med Genet. 2014 Sep;166C(3):262-75; Jelinic P et al. Nat Genet. 2014 May;46(5):424-6). Since supporting evidence is limited at this time, the clinical significance of this alteration remains unclear.